The following is an entry in ClinVar:

NM_001354604.2(MITF):c.1553G>A (p.Ser518Asn)

Gene: MITF (melanocyte inducing transcription factor; plus strand). Cytogenetic location: 3p13.
Variant type: single nucleotide variant.
Coding change: c.1553G>A on transcript NM_001354604.2 (MANE Select); coding-DNA position 1553, G replaced by A.
Protein change: p.Ser518Asn; replaces serine 518 with asparagine.
Molecular consequence: missense variant.
Genome position (GRCh38, 1-based): chr3:69,965,220, G>A. VCF-style: chr3-69965220-G-A. GRCh37 (hg19) VCF-style: chr3-70014371-G-A.
Other names: c.1232G>A, p.Ser411Asn (NM_000248.4); c.1379G>A, p.Ser460Asn (NM_001184967.2, NM_001354608.2); c.1550G>A, p.Ser517Asn (NM_001354605.2); c.1532G>A, p.Ser511Asn (NM_001354606.2, NM_006722.3); c.1484G>A, p.Ser495Asn (NM_001354607.2); c.1214G>A, p.Ser405Asn (NM_198158.3); c.1535G>A, p.Ser512Asn (NM_198159.3); c.1487G>A, p.Ser496Asn (NM_198177.3); and 1 more; short protein forms S349N, S405N, S411N, S460N, S495N, S496N, S511N, S512N.
Identifiers: ClinVar variation 1719314 (VCV001719314.5), dbSNP rs970395368, ClinGen allele CA77003533.

ClinVar aggregate classification (germline): Uncertain significance (1 of 4 stars; one submission).

Conditions:
Tietz syndrome (TADS). Also called: ALBINISM-DEAFNESS OF TIETZ; HYPOPIGMENTATION/DEAFNESS OF TIETZ; TIETZ ALBINISM-DEAFNESS SYNDROME. Identifiers: Orphanet 42665, MedGen C0391816, MONDO:0007077, OMIM 103500.
Waardenburg syndrome type 2A (WS2A). Also called: WAARDENBURG SYNDROME WITHOUT DYSTOPIA CANTHORUM. Identifiers: Orphanet 3440, MedGen C1860339, MONDO:0008671, OMIM 193510.
Melanoma, cutaneous malignant, susceptibility to, 8. Also called: MELANOMA AND RENAL CELL CARCINOMA, SUSCEPTIBILITY TO; Cutaneous malignant melanoma 8. Identifiers: Orphanet 293822, MedGen C3152204, MONDO:0013759, OMIM 614456.

Allele frequency attached by ClinVar (database versions not stated): gnomAD 0.00001; gnomAD exomes 0.00001.

Submission:

Labcorp Genetics (formerly Invitae), Labcorp
Classification: Uncertain significance for Melanoma, cutaneous malignant, susceptibility to, 8; Waardenburg syndrome type 2A; Tietz syndrome. Last evaluated: 2025-11-05. Review status: criteria provided, single submitter. Criteria: Invitae Variant Classification Sherloc (09022015). Collection method: clinical testing. Allele origin: germline.
Comment: This sequence change replaces serine, which is neutral and polar, with asparagine, which is neutral and polar, at codon 411 of the MITF protein (p.Ser411Asn). This variant is present in population databases (no rsID available, gnomAD 0.006%). This variant has not been reported in the literature in individuals affected with MITF-related conditions. ClinVar contains an entry for this variant (Variation ID: 1719314). Invitae Evidence Modeling of protein sequence and biophysical properties (such as structural, functional, and spatial information, amino acid conservation, physicochemical variation, residue mobility, and thermodynamic stability) indicates that this missense variant is not expected to disrupt MITF protein function with a negative predictive value of 80%. In summary, the available evidence is currently insufficient to determine the role of this variant in disease. Therefore, it has been classified as a Variant of Uncertain Significance.